The following is an entry in ClinVar:

NM_178857.6(RP1L1):c.481_567dup (p.Leu189_Arg190insAspProArgLeuGlnGlnThrValValLeuSerHisArgAsnThrArgAsnLeuAlaAlaPheLeuGlyLysAlaSerAspLeuLeu)

Gene: RP1L1 (RP1 like 1). Cytogenetic location: 8p23.1.
Variant type: Duplication.
Coding change: c.481_567dup on transcript NM_178857.6 (MANE Select); coding-DNA positions 481 to 567, 87 bases duplicated.
Protein change: p.Leu189_Arg190insAspProArgLeuGlnGlnThrValValLeuSerHisArgAsnThrArgAsnLeuAlaAlaPheLeuGlyLysAlaSerAspLeuLeu.
Molecular consequence: inframe insertion.
Genome position: GRCh38: chr8:10,622,637-10,622,723. GRCh37 (hg19): chr8:10,480,147-10,480,233.
Identifiers: ClinVar variation 2031388 (VCV002031388.2), dbSNP rs2486317996, ClinGen allele CA2580077999.

ClinVar aggregate classification (germline): Uncertain significance (1 of 4 stars; one submission).

Submission:

Labcorp Genetics (formerly Invitae), Labcorp
Classification: Uncertain significance. Last evaluated: 2024-11-05. Review status: criteria provided, single submitter. Criteria: Invitae Variant Classification Sherloc (09022015). Collection method: clinical testing. Allele origin: germline.
Comment: This variant, c.567_568ins87, results in the insertion of 29 amino acid(s) of the RP1L1 protein (p.Asp161_Leu189dup), but otherwise preserves the integrity of the reading frame. This variant is present in population databases (no rsID available, gnomAD 0.003%). This variant has not been reported in the literature in individuals affected with RP1L1-related conditions. ClinVar contains an entry for this variant (Variation ID: 1983910). Experimental studies and prediction algorithms are not available or were not evaluated, and the functional significance of this variant is currently unknown. In summary, the available evidence is currently insufficient to determine the role of this variant in disease. Therefore, it has been classified as a Variant of Uncertain Significance.